The following is an entry in ClinVar:

NM_002335.4(LRP5):c.2124G>A (p.Ser708=)

Gene: LRP5 (LDL receptor related protein 5; plus strand). Cytogenetic location: 11q13.2.
Variant type: single nucleotide variant.
Coding change: c.2124G>A on transcript NM_002335.4 (MANE Select); coding-DNA position 2124, G replaced by A.
Protein change: p.Ser708=; no amino-acid change (serine 708 retained).
Molecular consequence: synonymous variant.
Genome position (GRCh38, 1-based): chr11:68,409,946, G>A. VCF-style: chr11-68409946-G-A. GRCh37 (hg19) VCF-style: chr11-68177414-G-A.
Other names: c.381G>A, p.Ser127= (NM_001291902.2).
Identifiers: ClinVar variation 287337 (VCV000287337.28), dbSNP rs140977837, ClinGen allele CA6149545.

ClinVar aggregate classification (germline): Conflicting classifications of pathogenicity. Review status: criteria provided, conflicting classifications (1 of 4 stars). 7 submissions from 7 submitters: Uncertain significance (1); Benign (1); Likely benign (4). 1 of the submissions does not count toward it. Last evaluated 2026-02-01.

Conditions:
LRP5-related disorder. Also called: LRP5-related condition.
Osteogenesis imperfecta (OI). Identifiers: Orphanet 666, MedGen C0029434, MeSH D010013, MONDO:0019019.

Allele frequency attached by ClinVar (database versions not stated): gnomAD exomes 0.00051; ExAC 0.00059; 1000 Genomes Project 30x 0.00109; 1000 Genomes Project 0.00120; ESP Exome Variant Server 0.00131; gnomAD 0.00213 and 0.00230; TOPMed 0.00217.
gnomAD v4.1: 625 of 1,614,052 alleles (0.039%); highest among the groups gnomAD compares: African/African-American, 0.71%; 3 homozygotes.

Submissions (7):

Labcorp Genetics (formerly Invitae), Labcorp
Classification: Benign. Last evaluated: 2026-02-01. Review status: criteria provided, single submitter. Criteria: Invitae Variant Classification Sherloc (09022015). Collection method: clinical testing. Allele origin: germline.

CeGaT Center for Human Genetics Tuebingen
Classification: Likely benign. Last evaluated: 2026-01-01. Review status: criteria provided, single submitter. Criteria: CeGaT Center For Human Genetics Tuebingen Variant Classification Criteria Version 2. Collection method: clinical testing. Allele origin: germline. Affected: yes. Observed: 1 variant allele.
Comment: LRP5: BP4, BP7

Blueprint Genetics
Classification: Likely benign. Last evaluated: 2024-09-04. Review status: criteria provided, single submitter. Criteria: ACMG Guidelines, 2015. Collection method: clinical testing. Allele origin: germline.

Genome Diagnostics Laboratory, The Hospital for Sick Children
Classification: Likely benign for Osteogenesis imperfecta. Last evaluated: 2021-08-13. Review status: criteria provided, single submitter. Criteria: ACMG Guidelines, 2015. Collection method: clinical testing. Allele origin: germline.

GeneDx
Classification: Likely benign. Last evaluated: 2020-12-21. Review status: criteria provided, single submitter. Criteria: GeneDx Variant Classification Process June 2021. Collection method: clinical testing. Allele origin: germline. Affected: yes.

Eurofins Ntd Llc (ga)
Classification: Uncertain significance. Last evaluated: 2016-05-25. Review status: criteria provided, single submitter. Criteria: EGL Classification Definitions 2015. Collection method: clinical testing. Allele origin: germline. Observed: 2 variant alleles, 2 heterozygotes.

PreventionGenetics, part of Exact Sciences
Classification: Benign for LRP5-related condition. Last evaluated: 2022-03-02. Review status: no assertion criteria provided. Collection method: clinical testing. Allele origin: germline. Not counted in ClinVar's aggregate classification.
Comment: This variant is classified as benign based on ACMG/AMP sequence variant interpretation guidelines (Richards et al. 2015 PMID: 25741868, with internal and published modifications).